The following is an entry in ClinVar:

NM_032409.3(PINK1):c.*672T>C

Genes: PINK1 (PTEN induced kinase 1; plus strand), PINK1-AS (PINK1 antisense RNA; minus strand). Cytogenetic location: 1p36.12.
Variant type: single nucleotide variant.
Coding change: c.*672T>C on transcript NM_032409.3 (MANE Select); 672 bases downstream of the stop codon, T replaced by C.
Molecular consequence: 3 prime UTR variant. On other transcripts: non-coding transcript variant (1).
Genome position (GRCh38, 1-based): chr1:20,651,363, T>C. VCF-style: chr1-20651363-T-C. GRCh37 (hg19) VCF-style: chr1-20977856-T-C.
Identifiers: ClinVar variation 295030 (VCV000295030.9), dbSNP rs2078073, ClinGen allele CA10609561.
Genomic context (GRCh38, chr1:20,651,363, plus strand): 5'-AAATTTACAACTGCAGATGACGTATGTGCCTTGAACTGAATATTTGGCTTTAAGAATGAT[T>C]CTTATACTCTGAAGGTGAGAATATTTTGTGGGCAGGTATCAACATTGGGGAAGAGATTTC-3'

ClinVar aggregate classification (germline): Benign/Likely benign. Review status: criteria provided, multiple submitters, no conflicts (2 of 4 stars). 3 submissions from 3 submitters: Benign (2); Likely benign (1). Last evaluated 2021-05-14.

Conditions:
Autosomal recessive early-onset Parkinson disease 6 (PARK6). Also called: PARKINSON DISEASE 6, EARLY-ONSET; PINK1 Type of Young-Onset Parkinson Disease; PINK1-Related Parkinson Disease; PARKINSON DISEASE 6, MODIFIER OF. Identifiers: Orphanet 2828, MedGen C1853833, MONDO:0011613, OMIM 605909.

Allele frequency attached by ClinVar (database versions not stated): TOPMed 0.26857; gnomAD 0.27437 and 0.27769; gnomAD exomes 0.28647; 1000 Genomes Project 30x 0.29591; 1000 Genomes Project 0.30272.

Submissions (3):

GeneDx
Classification: Benign. Last evaluated: 2021-05-14. Review status: criteria provided, single submitter. Criteria: GeneDx Variant Classification Process June 2021. Collection method: clinical testing. Allele origin: germline. Affected: yes.

Illumina Laboratory Services, Illumina
Classification: Benign for Autosomal recessive early-onset Parkinson disease 6. Last evaluated: 2018-01-13. Review status: criteria provided, single submitter. Criteria: ICSL Variant Classification Criteria 13 December 2019. Collection method: clinical testing. Allele origin: germline.
Comment: This variant was observed in the ICSL laboratory as part of a predisposition screen in an ostensibly healthy population. It had not been previously curated by ICSL or reported in the Human Gene Mutation Database (HGMD: prior to June 1st, 2018), and was therefore a candidate for classification through an automated scoring system. Utilizing variant allele frequency, disease prevalence and penetrance estimates, and inheritance mode, an automated score was calculated to assess if this variant is too frequent to cause the disease. Based on the score and internal cut-off values, a variant classified as benign is not then subjected to further curation. The score for this variant resulted in a classification of benign for this disease.

Breakthrough Genomics
Classification: Likely benign. Review status: criteria provided, single submitter. Criteria: ACMG Guidelines, 2015. Collection method: not provided. Allele origin: germline. Inheritance: Autosomal recessive inheritance. Affected: yes.